The following is an entry in ClinVar:

ClinVar aggregate classification (germline): Uncertain significance (1 of 4 stars; one submission).

Conditions:
Long QT syndrome (LQTS). Identifiers: MedGen C0023976, MeSH D008133, MONDO:0002442. Disease mechanism: loss of function. Inheritance: Various modes of inheritance.

Allele frequency attached by ClinVar (database versions not stated): gnomAD exomes below 0.00001.
gnomAD v4.1: 3 of 1,573,556 alleles (0.00019%); highest among the groups gnomAD compares: Non-Finnish European, 0.00026%; no homozygotes.

Submission:

Labcorp Genetics (formerly Invitae), Labcorp
Classification: Uncertain significance for Long QT syndrome. Last evaluated: 2022-07-26. Review status: criteria provided, single submitter. Criteria: Invitae Variant Classification Sherloc (09022015). Collection method: clinical testing. Allele origin: germline.
Comment: This sequence change replaces leucine, which is neutral and non-polar, with glutamine, which is neutral and polar, at codon 606 of the KCNQ1 protein (p.Leu606Gln). This variant is not present in population databases (gnomAD no frequency). This variant has not been reported in the literature in individuals affected with KCNQ1-related conditions. Algorithms developed to predict the effect of missense changes on protein structure and function are either unavailable or do not agree on the potential impact of this missense change (SIFT: "Deleterious"; PolyPhen-2: "Probably Damaging"; Align-GVGD: "Class C0"). In summary, the available evidence is currently insufficient to determine the role of this variant in disease. Therefore, it has been classified as a Variant of Uncertain Significance.

NM_000218.3(KCNQ1):c.1817T>A (p.Leu606Gln)

Genes: KCNQ1 (potassium voltage-gated channel subfamily Q member 1; plus strand), KCNQ1-AS1 (KCNQ1 antisense RNA 1; minus strand). Cytogenetic location: 11p15.4.
Variant type: single nucleotide variant.
Coding change: c.1817T>A on transcript NM_000218.3 (MANE Select); coding-DNA position 1817, T replaced by A.
Protein change: p.Leu606Gln; replaces leucine 606 with glutamine.
Molecular consequence: missense variant.
Genome position (GRCh38, 1-based): chr11:2,847,789, T>A. VCF-style: chr11-2847789-T-A. GRCh37 (hg19) VCF-style: chr11-2869019-T-A.
Other names: c.1721T>A, p.Leu574Gln (NM_001406836.1); c.1547T>A, p.Leu516Gln (NM_001406837.1); c.1277T>A, p.Leu426Gln (NM_001406838.1); c.329T>A, p.Leu110Gln (NM_001406839.1); c.1436T>A, p.Leu479Gln (NM_181798.2); short protein forms L110Q, L479Q, L426Q, L516Q, L574Q, L606Q.
Identifiers: ClinVar variation 2087838 (VCV002087838.4), dbSNP rs2494325664, ClinGen allele CA379140220.